The following is an entry in ClinVar:

NC_000007.14:g.33635273C>T

Gene: BBS9 (Bardet-Biedl syndrome 9; plus strand). Cytogenetic location: 7p14.3.
Variant type: single nucleotide variant.
Molecular consequence: 3 prime UTR variant (on NM_001348041.4).
Genome position: GRCh38 VCF-style: chr7-33635273-C-T. GRCh37 (hg19) VCF-style: chr7-33674885-C-T.
Other names: c.*2C>T (NM_001348041.4, NM_001362679.1).
Identifiers: ClinVar variation 4978105 (VCV004978105.1).

ClinVar aggregate classification (germline): Likely benign (1 of 4 stars; one submission).

Conditions:
BBS9-related disorder. Also called: BBS9-related condition.

gnomAD v4.1: 7 of 152,304 alleles (0.0046%); highest among the groups gnomAD compares: East Asian, 0.019%; no homozygotes.

Submission:

PreventionGenetics, part of Exact Sciences
Classification: Likely benign for BBS9-related condition. Last evaluated: 2025-02-13. Review status: criteria provided, single submitter. Criteria: ACMG Guidelines, 2015. Collection method: clinical testing. Allele origin: germline.
Comment: This variant is classified as likely benign based on ACMG/AMP sequence variant interpretation guidelines (Richards et al. 2015 PMID: 25741868, with internal and published modifications).